The following is an entry in ClinVar:

ClinVar aggregate classification (germline): Uncertain significance (1 of 4 stars; one submission).

gnomAD v4.1: 1 of 1,612,492 alleles (0.000062%); highest among the groups gnomAD compares: South Asian, 0.0011%; no homozygotes.

Submission:

Ambry Genetics
Classification: Uncertain significance. Last evaluated: 2025-12-22. Review status: criteria provided, single submitter. Criteria: Ambry Variant Classification Scheme 2023. Collection method: clinical testing. Allele origin: germline.
Comment: The p.N1196D variant (also known as c.3586A>G), located in coding exon 15 of the WNK2 gene, results from an A to G substitution at nucleotide position 3586. The asparagine at codon 1196 is replaced by aspartic acid, an amino acid with highly similar properties. This amino acid position is conserved. In addition, this alteration is predicted to be tolerated by in silico analysis. Based on the available evidence, the clinical significance of this variant remains unclear.

NM_006648.4(WNK2):c.3586A>G (p.Asn1196Asp)

Gene: WNK2 (WNK lysine deficient protein kinase 2; plus strand). Cytogenetic location: 9q22.31.
Variant type: single nucleotide variant.
Coding change: c.3586A>G on transcript NM_006648.4 (MANE Select); coding-DNA position 3586, A replaced by G.
Protein change: p.Asn1196Asp; replaces asparagine 1196 with aspartic acid.
Molecular consequence: missense variant.
Genome position (GRCh38, 1-based): chr9:93,263,923, A>G. VCF-style: chr9-93263923-A-G. GRCh37 (hg19) VCF-style: chr9-96026205-A-G.
Other names: c.3586A>G, p.Asn1196Asp (NM_001282394.3); short protein forms N1196D.
Identifiers: ClinVar variation 4842096 (VCV004842096.1).